The following is an entry in ClinVar:

NM_004700.4(KCNQ4):c.800T>C (p.Phe267Ser)

Gene: KCNQ4 (potassium voltage-gated channel subfamily Q member 4; plus strand). Cytogenetic location: 1p34.2.
Variant type: single nucleotide variant.
Coding change: c.800T>C on transcript NM_004700.4 (MANE Select); coding-DNA position 800, T replaced by C.
Protein change: p.Phe267Ser; replaces phenylalanine 267 with serine.
Molecular consequence: missense variant.
Genome position (GRCh38, 1-based): chr1:40,819,438, T>C. VCF-style: chr1-40819438-T-C. GRCh37 (hg19) VCF-style: chr1-41285110-T-C.
Other names: c.800T>C, p.Phe267Ser (NM_172163.3); short protein forms F267S.
Identifiers: ClinVar variation 3643609 (VCV003643609.2).

ClinVar aggregate classification (germline): Uncertain significance (1 of 4 stars; one submission).

Submission:

Labcorp Genetics (formerly Invitae), Labcorp
Classification: Uncertain significance. Last evaluated: 2024-02-28. Review status: criteria provided, single submitter. Criteria: Invitae Variant Classification Sherloc (09022015). Collection method: clinical testing. Allele origin: germline.
Comment: This sequence change replaces phenylalanine, which is neutral and non-polar, with serine, which is neutral and polar, at codon 267 of the KCNQ4 protein (p.Phe267Ser). This variant is not present in population databases (gnomAD no frequency). This variant has not been reported in the literature in individuals affected with KCNQ4-related conditions. Advanced modeling of protein sequence and biophysical properties (such as structural, functional, and spatial information, amino acid conservation, physicochemical variation, residue mobility, and thermodynamic stability) performed at Invitae indicates that this missense variant is expected to disrupt KCNQ4 protein function with a positive predictive value of 95%. In summary, the available evidence is currently insufficient to determine the role of this variant in disease. Therefore, it has been classified as a Variant of Uncertain Significance.